The following is an entry in ClinVar:

NM_001170629.2(CHD8):c.1338G>T (p.Met446Ile)

Gene: CHD8 (chromodomain helicase DNA binding protein 8; minus strand). Cytogenetic location: 14q11.2.
Variant type: single nucleotide variant.
Coding change: c.1338G>T on transcript NM_001170629.2 (MANE Select); coding-DNA position 1338, G replaced by T.
Protein change: p.Met446Ile; replaces methionine 446 with isoleucine.
Molecular consequence: missense variant.
Genome position (GRCh38, 1-based): chr14:21,428,132, C>A on the plus strand (G>T on the coding strand, the complement: CHD8 is on the minus strand). VCF-style: chr14-21428132-C-A. GRCh37 (hg19) VCF-style: chr14-21896291-C-A.
Other names: c.501G>T, p.Met167Ile (NM_020920.4); short protein forms M167I, M446I.
Identifiers: ClinVar variation 2497846 (VCV002497846.2), dbSNP rs2502002925, ClinGen allele CA388883536.

ClinVar aggregate classification (germline): Uncertain significance (1 of 4 stars; one submission).

Submission:

GeneDx
Classification: Uncertain significance. Last evaluated: 2023-05-08. Review status: criteria provided, single submitter. Criteria: GeneDx Variant Classification Process June 2021. Collection method: clinical testing. Allele origin: germline.
Comment: Not observed at significant frequency in large population cohorts (gnomAD); In silico analysis supports that this missense variant does not alter protein structure/function; Has not been previously published as pathogenic or benign to our knowledge